The following is an entry in ClinVar:

NM_014989.7(RIMS1):c.642G>C (p.Glu214Asp)

Gene: RIMS1 (regulating synaptic membrane exocytosis 1; plus strand). Cytogenetic location: 6q13.
Variant type: single nucleotide variant.
Coding change: c.642G>C on transcript NM_014989.7 (MANE Select); coding-DNA position 642, G replaced by C.
Protein change: p.Glu214Asp; replaces glutamic acid 214 with aspartic acid.
Molecular consequence: missense variant.
Genome position (GRCh38, 1-based): chr6:72,179,745, G>C. VCF-style: chr6-72179745-G-C. GRCh37 (hg19) VCF-style: chr6-72889448-G-C.
Other names: short protein forms E214D.
Identifiers: ClinVar variation 969381 (VCV000969381.10), dbSNP rs371815320, ClinGen allele CA3885560.

ClinVar aggregate classification (germline): Conflicting classifications of pathogenicity. Review status: criteria provided, conflicting classifications (1 of 4 stars). 2 submissions from 2 submitters: Uncertain significance (1); Likely benign (1). Last evaluated 2024-06-14.

Allele frequency attached by ClinVar (database versions not stated): TOPMed 0.00002; ESP Exome Variant Server 0.00008; ExAC 0.00021.
gnomAD v4.1: 69 of 1,613,738 alleles (0.0043%); highest among the groups gnomAD compares: Non-Finnish European, 0.0051%; no homozygotes.

Submissions (2):

Blueprint Genetics
Classification: Likely benign. Last evaluated: 2024-06-14. Review status: criteria provided, single submitter. Criteria: ACMG Guidelines, 2015. Collection method: clinical testing. Allele origin: germline.

Labcorp Genetics (formerly Invitae), Labcorp
Classification: Uncertain significance. Last evaluated: 2022-09-06. Review status: criteria provided, single submitter. Criteria: Invitae Variant Classification Sherloc (09022015). Collection method: clinical testing. Allele origin: germline.
Comment: This variant has not been reported in the literature in individuals affected with RIMS1-related conditions. ClinVar contains an entry for this variant (Variation ID: 969381). Algorithms developed to predict the effect of missense changes on protein structure and function (SIFT, PolyPhen-2, Align-GVGD) all suggest that this variant is likely to be disruptive. In summary, the available evidence is currently insufficient to determine the role of this variant in disease. Therefore, it has been classified as a Variant of Uncertain Significance. This sequence change replaces glutamic acid, which is acidic and polar, with aspartic acid, which is acidic and polar, at codon 214 of the RIMS1 protein (p.Glu214Asp). This variant is present in population databases (rs371815320, gnomAD 0.02%).